The following is an entry in ClinVar:

ClinVar aggregate classification (germline): Pathogenic (1 of 4 stars; one submission).

Conditions:
Pfeiffer syndrome (ACS5). Also called: ACS V. Identifiers: Orphanet 710, MedGen C0220658, MONDO:0007043, OMIM 101600.
Hypogonadotropic hypogonadism 2 with or without anosmia (HH2). Also called: HYPOGONADOTROPIC HYPOGONADISM 2 WITH OR WITHOUT ANOSMIA, SUSCEPTIBILITY TO; HYPOGONADOTROPIC HYPOGONADISM 2 WITHOUT ANOSMIA; HYPOGONADOTROPIC HYPOGONADISM 2 WITHOUT ANOSMIA, SUSCEPTIBILITY TO; FGFR1-Related GnRH Deficiency (Kallmann Syndrome 2). Identifiers: Orphanet 478, MedGen C1563720, MONDO:0007844, OMIM 147950. Disease mechanism: loss of function.

Submission:

Labcorp Genetics (formerly Invitae), Labcorp
Classification: Pathogenic for Pfeiffer syndrome; Hypogonadotropic hypogonadism 2 with or without anosmia. Last evaluated: 2023-06-15. Review status: criteria provided, single submitter. Criteria: Invitae Variant Classification Sherloc (09022015). Collection method: clinical testing. Allele origin: germline.
Comment: For these reasons, this variant has been classified as Pathogenic. This variant has not been reported in the literature in individuals affected with FGFR1-related conditions. This variant is not present in population databases (gnomAD no frequency). This sequence change creates a premature translational stop signal (p.Arg622Profs*34) in the FGFR1 gene. It is expected to result in an absent or disrupted protein product. Loss-of-function variants in FGFR1 are known to be pathogenic (PMID: 12627230).

Literature cited by the submitters: PubMed 12627230.

NM_023110.3(FGFR1):c.1864dup (p.Arg622fs)

Gene: FGFR1 (fibroblast growth factor receptor 1; minus strand). Cytogenetic location: 8p11.23.
Variant type: Duplication.
Coding change: c.1864dup on transcript NM_023110.3 (MANE Select); coding-DNA position 1864, one base duplicated (C; older notation c.1864dupC).
Protein change: p.Arg622fs; shifts the reading frame from arginine 622.
Molecular consequence: frameshift variant.
Genome position (GRCh38, 1-based): chr8:38,414,892, G duplicated on the plus strand (C on the coding strand, the reverse complement: FGFR1 is on the minus strand); the first of 2 consecutive G bases (chr8:38,414,892-38,414,893); duplicating either gives the same sequence. VCF-style (leftmost placement, unchanged base first): chr8-38414891-C-CG. GRCh37 (hg19) VCF-style: chr8-38272409-C-CG.
Other names: c.1863dup, p.Arg622Profs (NM_000604.2); c.1858dup, p.Arg620fs (NM_001174063.2, NM_001174065.2, NM_001354367.2 and 1 more transcripts); c.1834dup, p.Arg612fs (NM_001174064.2); c.1597dup, p.Arg533fs (NM_001174066.2, NM_023105.3); c.1957dup, p.Arg653fs (NM_001174067.2); c.1585dup, p.Arg529fs (NM_001354368.2); c.1852dup, p.Arg618fs (NM_001354369.2, NM_001410922.1); c.1591dup, p.Arg531fs (NM_001354370.2, NM_023106.3); short protein forms R620fs, R531fs, R622fs, R612fs, R653fs, R529fs, R533fs, R618fs.
Identifiers: ClinVar variation 2948865 (VCV002948865.3), dbSNP rs2536820437, ClinGen allele CA2740094993.